The following is an entry in ClinVar:

ClinVar aggregate classification (germline): Uncertain significance (1 of 4 stars; one submission).

gnomAD v4.1: 2 of 1,613,514 alleles (0.00012%); highest among the groups gnomAD compares: African/African-American, 0.0027%; no homozygotes.

Submission:

Mayo Clinic Laboratories, Mayo Clinic
Classification: Uncertain significance. Last evaluated: 2025-07-09. Review status: criteria provided, single submitter. Criteria: ACMG Guidelines, 2015. Collection method: clinical testing. Allele origin: germline. Observed: 1 variant allele.
Comment: BP4, PM2_supporting

NM_000337.6(SGCD):c.787A>G (p.Ile263Val)

Gene: SGCD (sarcoglycan delta; plus strand). Cytogenetic location: 5q33.3.
Variant type: single nucleotide variant.
Coding change: c.787A>G on transcript NM_000337.6 (MANE Select); coding-DNA position 787, A replaced by G.
Protein change: p.Ile263Val; replaces isoleucine 263 with valine.
Molecular consequence: missense variant.
Genome position (GRCh38, 1-based): chr5:156,759,304, A>G. VCF-style: chr5-156759304-A-G. GRCh37 (hg19) VCF-style: chr5-156186315-A-G.
Other names: p.Ile263Val; c.784A>G, p.Ile262Val (NM_001128209.2); short protein forms I262V, I263V.
Identifiers: ClinVar variation 4541078 (VCV004541078.1).